The following is an entry in ClinVar:

ClinVar aggregate classification (germline): Benign/Likely benign. Review status: criteria provided, multiple submitters, no conflicts (2 of 4 stars). 13 submissions from 8 submitters: Benign (6); Likely benign (6). 1 of the submissions does not count toward it. Last evaluated 2025-09-16.

Conditions:
Charcot-Marie-Tooth disease. Also called: Charcot-Marie-Tooth Hereditary Neuropathy; Charcot-Marie-Tooth Neuropathy. Identifiers: Orphanet 166, MedGen C0007959, MONDO:0015626.
TRPV4-related disorder. Also called: TRPV4-related condition; TRPV4-related disorders.
Inborn genetic diseases. Identifiers: MedGen C0950123, MeSH D030342.
Metatropic dysplasia (MTD). Also called: Metatropic Dysplasia, TRPV4-Related; Metatropic dysplasia, nonlethal dominant; METATROPIC DWARFISM. Identifiers: Orphanet 2635, MedGen C0265281, MONDO:0007986, OMIM 156530.
Brachyrachia (short spine dysplasia) (BCYM3). Also called: Brachyolmia, TRPV4-Related; Brachyolmia Type 3; BRACHYRACHIA; Autosomal dominant brachyolmia. Identifiers: Orphanet 93304, MedGen C0432227, MONDO:0007232, OMIM 113500.
Neuronopathy, distal hereditary motor, autosomal dominant 8. Also called: SPINAL MUSCULAR ATROPHY, CONGENITAL BENIGN, WITH CONTRACTURES; NEURONOPATHY, DISTAL HEREDITARY MOTOR, TYPE VIII; NEUROPATHY, DISTAL HEREDITARY MOTOR, TYPE VIII; Autosomal dominant congenital benign spinal muscular atrophy. Identifiers: Orphanet 1216, MedGen C1838492, MONDO:0010839, OMIM 600175.
Scapuloperoneal spinal muscular atrophy (SPSMA). Also called: Scapuloperoneal Spinal Muscular Atrophy, TRPV4-Related; AMYOTROPHY, NEUROGENIC SCAPULOPERONEAL, NEW ENGLAND TYPE; Scapuloperoneal Form of Spinal Muscular Atrophy; Scapuloperoneal spinal muscular atrophy, autosomal dominant. Identifiers: Orphanet 431255, MedGen C0751335, MONDO:0008408, OMIM 181405.
Charcot-Marie-Tooth disease axonal type 2C (HMSN2C). Also called: Charcot-Marie-Tooth Disease Type 2, TRPV4-Related (CMT2C); CHARCOT-MARIE-TOOTH DISEASE, AXONAL, AUTOSOMAL DOMINANT, TYPE 2C; Charcot-Marie-Tooth Neuropathy Type 2C. Identifiers: Orphanet 99937, MedGen C1853710, MONDO:0011633, OMIM 606071.
Spondylometaphyseal dysplasia, Kozlowski type (SMDK). Also called: Spondylometaphyseal Dysplasia, TRPV4-Related (Kozlowski Type); Dysmorphism arthrogryposis skeletal maturation advanced; Jequier-Kozlowski syndrome; Skeletal dysplasia Jequier-Kozlowski type; SMD Kozlowski type. Identifiers: Orphanet 93314, MedGen C0265280, MONDO:0008477, OMIM 184252.

Allele frequency attached by ClinVar (database versions not stated): 1000 Genomes Project 30x 0.00016; ESP Exome Variant Server 0.00023; TOPMed 0.00006.
gnomAD v4.1: 339 of 1,614,130 alleles (0.021%); highest among the groups gnomAD compares: South Asian, 0.23%; 1 homozygote.

Submissions (13):

Labcorp Genetics (formerly Invitae), Labcorp
Classification: Likely benign for Charcot-Marie-Tooth disease axonal type 2C. Last evaluated: 2025-09-16. Review status: criteria provided, single submitter. Criteria: Invitae Variant Classification Sherloc (09022015). Collection method: clinical testing. Allele origin: germline.

CeGaT Center for Human Genetics Tuebingen
Classification: Benign. Last evaluated: 2025-01-01. Review status: criteria provided, single submitter. Criteria: CeGaT Center For Human Genetics Tuebingen Variant Classification Criteria Version 2. Collection method: clinical testing. Allele origin: germline. Affected: yes. Observed: 1 variant allele.
Comment: TRPV4: PP3, BS1, BS2

Blueprint Genetics
Classification: Likely benign. Last evaluated: 2023-10-16. Review status: criteria provided, single submitter. Criteria: ACMG Guidelines, 2015. Collection method: clinical testing. Allele origin: germline.

Ambry Genetics
Classification: Likely benign for Inborn genetic diseases. Last evaluated: 2019-11-28. Review status: criteria provided, single submitter. Criteria: Ambry Variant Classification Scheme 2023. Collection method: clinical testing. Allele origin: germline.

GeneDx
Classification: Likely benign. Last evaluated: 2018-01-19. Review status: criteria provided, single submitter. Criteria: GeneDx Variant Classification (06012015). Collection method: clinical testing. Allele origin: germline. Affected: yes.
Comment: This variant is considered likely benign or benign based on one or more of the following criteria: it is a conservative change, it occurs at a poorly conserved position in the protein, it is predicted to be benign by multiple in silico algorithms, and/or has population frequency not consistent with disease.

Illumina Laboratory Services, Illumina
Classification: Benign for Metatropic dysplasia. Last evaluated: 2018-01-13. Review status: criteria provided, single submitter. Criteria: ICSL Variant Classification Criteria 13 December 2019. Collection method: clinical testing. Allele origin: germline.
Comment: This variant was observed in the ICSL laboratory as part of a predisposition screen in an ostensibly healthy population. It had not been previously curated by ICSL or reported in the Human Gene Mutation Database (HGMD: prior to June 1st, 2018), and was therefore a candidate for classification through an automated scoring system. Utilizing variant allele frequency, disease prevalence and penetrance estimates, and inheritance mode, an automated score was calculated to assess if this variant is too frequent to cause the disease. Based on the score and internal cut-off values, a variant classified as benign is not then subjected to further curation. The score for this variant resulted in a classification of benign for this disease.

Illumina Laboratory Services, Illumina
Classification: Benign for Scapuloperoneal spinal muscular atrophy. Last evaluated: 2018-01-13. Review status: criteria provided, single submitter. Criteria: ICSL Variant Classification Criteria 13 December 2019. Collection method: clinical testing. Allele origin: germline.
Comment: the same text as in the submission from Illumina Laboratory Services, Illumina above.

Illumina Laboratory Services, Illumina
Classification: Benign for Neuronopathy, distal hereditary motor, autosomal dominant 8. Last evaluated: 2018-01-13. Review status: criteria provided, single submitter. Criteria: ICSL Variant Classification Criteria 13 December 2019. Collection method: clinical testing. Allele origin: germline.
Comment: the same text as in the submission from Illumina Laboratory Services, Illumina above.

Illumina Laboratory Services, Illumina
Classification: Benign for Brachyrachia (short spine dysplasia). Last evaluated: 2018-01-13. Review status: criteria provided, single submitter. Criteria: ICSL Variant Classification Criteria 13 December 2019. Collection method: clinical testing. Allele origin: germline.
Comment: the same text as in the submission from Illumina Laboratory Services, Illumina above.

Illumina Laboratory Services, Illumina
Classification: Likely benign for Charcot-Marie-Tooth disease axonal type 2C. Last evaluated: 2018-01-13. Review status: criteria provided, single submitter. Criteria: ICSL Variant Classification Criteria 13 December 2019. Collection method: clinical testing. Allele origin: germline.
Comment: This variant was observed in the ICSL laboratory as part of a predisposition screen in an ostensibly healthy population. It had not been previously curated by ICSL or reported in the Human Gene Mutation Database (HGMD: prior to June 1st, 2018), and was therefore a candidate for classification through an automated scoring system. Utilizing variant allele frequency, disease prevalence and penetrance estimates, and inheritance mode, an automated score was calculated to assess if this variant is too frequent to cause the disease. Based on the score and internal cut-off values, a variant classified as likely benign is not then subjected to further curation. The score for this variant resulted in a classification of likely benign for this disease.

Illumina Laboratory Services, Illumina
Classification: Benign for Spondylometaphyseal dysplasia, Kozlowski type. Last evaluated: 2018-01-13. Review status: criteria provided, single submitter. Criteria: ICSL Variant Classification Criteria 13 December 2019. Collection method: clinical testing. Allele origin: germline.
Comment: the same text as in the submission from Illumina Laboratory Services, Illumina above.

Molecular Genetics Laboratory, London Health Sciences Centre
Classification: Likely benign for Charcot-Marie-Tooth disease. Review status: criteria provided, single submitter. Criteria: ACMG Guidelines, 2015. Collection method: clinical testing. Allele origin: germline. Affected: yes.

PreventionGenetics, part of Exact Sciences
Classification: Likely benign for TRPV4-related condition. Last evaluated: 2024-07-01. Review status: no assertion criteria provided. Collection method: clinical testing. Allele origin: germline. Not counted in ClinVar's aggregate classification.
Comment: This variant is classified as likely benign based on ACMG/AMP sequence variant interpretation guidelines (Richards et al. 2015 PMID: 25741868, with internal and published modifications).

NM_021625.5(TRPV4):c.760G>A (p.Val254Met)

Gene: TRPV4 (transient receptor potential cation channel subfamily V member 4; minus strand). Cytogenetic location: 12q24.11.
Variant type: single nucleotide variant.
Coding change: c.760G>A on transcript NM_021625.5 (MANE Select); coding-DNA position 760, G replaced by A.
Protein change: p.Val254Met; replaces valine 254 with methionine.
Molecular consequence: missense variant. On other transcripts: intron variant (2).
Genome position (GRCh38, 1-based): chr12:109,800,711, C>T on the plus strand (G>A on the coding strand, the complement: TRPV4 is on the minus strand). VCF-style: chr12-109800711-C-T. GRCh37 (hg19) VCF-style: chr12-110238516-C-T.
Other names: c.658G>A, p.Val220Met (NM_001177431.2); c.760G>A, p.Val254Met (NM_147204.3); c.713-1799G>A (NM_001177433.1, NM_001177428.1); short protein forms V254M, V220M.
Identifiers: ClinVar variation 307137 (VCV000307137.34), dbSNP rs143548402, ClinGen allele CA6780427.
Genomic context (GRCh38, chr12:109,800,711, plus strand): 5'-GGAAGAAGCGCCCACGGGCCTGGGCGTGGACATCAGCTCCCTGGGCCACGAGAAGTTCCA[C>T]GTAGTGTTTGCAGCGACGCTCAATGGCGATGTGCAGGGCTGTCTGACCTGGGGGCAGGGG-3'
Protein context (NP_067638.3, residues 244-264): IAIERRCKHY[Val254Met]ELLVAQGADV